The following is an entry in ClinVar:

NM_000787.4(DBH):c.1139G>A (p.Arg380Gln)

Gene: DBH (dopamine beta-hydroxylase; plus strand). Cytogenetic location: 9q34.2.
Variant type: single nucleotide variant.
Coding change: c.1139G>A on transcript NM_000787.4 (MANE Select); coding-DNA position 1139, G replaced by A.
Protein change: p.Arg380Gln; replaces arginine 380 with glutamine.
Molecular consequence: missense variant.
Genome position (GRCh38, 1-based): chr9:133,647,960, G>A. VCF-style: chr9-133647960-G-A. GRCh37 (hg19) VCF-style: chr9-136513082-G-A.
Other names: short protein forms R380Q.
Identifiers: ClinVar variation 365658 (VCV000365658.10), dbSNP rs77984399, ClinGen allele CA5313325.

ClinVar aggregate classification (germline): Uncertain significance. Review status: criteria provided, multiple submitters, no conflicts (2 of 4 stars). 2 submissions from 2 submitters: Uncertain significance (2). Last evaluated 2022-06-14.

Conditions:
Orthostatic hypotension 1 (ORTHYP1). Also called: Dopamine beta-hydroxylase deficiency; Orthostatic hypotension 1, due to DBH deficiency; NORADRENALINE DEFICIENCY; NOREPINEPHRINE DEFICIENCY. Identifiers: Orphanet 230, MedGen C4746777, MONDO:0009123, OMIM 223360.

Allele frequency attached by ClinVar (database versions not stated): ESP Exome Variant Server 0.00008; gnomAD exomes 0.00015 and 0.00023; gnomAD 0.00016 and 0.00017; 1000 Genomes Project 0.00020; TOPMed 0.00022; ExAC 0.00024; 1000 Genomes Project 30x 0.00031.
gnomAD v4.1: 244 of 1,613,926 alleles (0.015%); highest among the groups gnomAD compares: Middle Eastern, 0.23%; 1 homozygote.

Submissions (2):

Labcorp Genetics (formerly Invitae), Labcorp
Classification: Uncertain significance for Orthostatic hypotension 1. Last evaluated: 2022-06-14. Review status: criteria provided, single submitter. Criteria: Invitae Variant Classification Sherloc (09022015). Collection method: clinical testing. Allele origin: germline.
Comment: This sequence change replaces arginine, which is basic and polar, with glutamine, which is neutral and polar, at codon 380 of the DBH protein (p.Arg380Gln). This variant is present in population databases (rs77984399, gnomAD 0.05%). This variant has not been reported in the literature in individuals affected with DBH-related conditions. ClinVar contains an entry for this variant (Variation ID: 365658). Algorithms developed to predict the effect of missense changes on protein structure and function output the following: SIFT: "Tolerated"; PolyPhen-2: "Benign"; Align-GVGD: "Class C0". The glutamine amino acid residue is found in multiple mammalian species, which suggests that this missense change does not adversely affect protein function. Algorithms developed to predict the effect of sequence changes on RNA splicing suggest that this variant may create or strengthen a splice site. In summary, the available evidence is currently insufficient to determine the role of this variant in disease. Therefore, it has been classified as a Variant of Uncertain Significance.

Illumina Laboratory Services, Illumina
Classification: Uncertain significance for Orthostatic hypotension 1. Last evaluated: 2018-01-13. Review status: criteria provided, single submitter. Criteria: ICSL Variant Classification Criteria 13 December 2019. Collection method: clinical testing. Allele origin: germline.